The following is an entry in ClinVar:

NM_001184.4(ATR):c.6668T>C (p.Leu2223Pro)

Gene: ATR (ATR checkpoint kinase; minus strand). Cytogenetic location: 3q23.
Variant type: single nucleotide variant.
Coding change: c.6668T>C on transcript NM_001184.4 (MANE Select); coding-DNA position 6668, T replaced by C.
Protein change: p.Leu2223Pro; replaces leucine 2223 with proline.
Molecular consequence: missense variant.
Genome position (GRCh38, 1-based): chr3:142,467,953, A>G on the plus strand (T>C on the coding strand, the complement: ATR is on the minus strand). VCF-style: chr3-142467953-A-G. GRCh37 (hg19) VCF-style: chr3-142186795-A-G.
Other names: c.6476T>C, p.Leu2159Pro (NM_001354579.2); short protein forms L2159P, L2223P.
Identifiers: ClinVar variation 1754760 (VCV001754760.2), dbSNP rs141464709, ClinGen allele CA2649289.

ClinVar aggregate classification (germline): Uncertain significance (1 of 4 stars; one submission).

Conditions:
Inborn genetic diseases. Identifiers: MedGen C0950123, MeSH D030342.

Allele frequency attached by ClinVar (database versions not stated): gnomAD exomes 0.00001; ESP Exome Variant Server 0.00008; ExAC 0.00001.
gnomAD v4.1: 8 of 1,612,984 alleles (0.0005%); highest among the groups gnomAD compares: Non-Finnish European, 0.00068%; no homozygotes.

Submission:

Ambry Genetics
Classification: Uncertain significance for Inborn genetic diseases. Last evaluated: 2021-09-07. Review status: criteria provided, single submitter. Criteria: Ambry Variant Classification Scheme 2023. Collection method: clinical testing. Allele origin: germline.
Comment: The p.L2223P variant (also known as c.6668T>C), located in coding exon 39 of the ATR gene, results from a T to C substitution at nucleotide position 6668. The leucine at codon 2223 is replaced by proline, an amino acid with similar properties. This amino acid position is conserved. In addition, this alteration is predicted to be deleterious by in silico analysis. Since supporting evidence is limited at this time, the clinical significance of this alteration remains unclear.